The following is an entry in ClinVar:

NM_206933.4(USH2A):c.7620del (p.Leu2541fs)

Gene: USH2A (usherin; minus strand). Cytogenetic location: 1q41.
Variant type: Deletion.
Coding change: c.7620del on transcript NM_206933.4 (MANE Select); coding-DNA position 7620, one base deleted (T; older notation c.7620delT).
Protein change: p.Leu2541fs; shifts the reading frame from leucine 2541.
Molecular consequence: frameshift variant.
Genome position (GRCh38, 1-based): chr1:215,889,029, A deleted on the plus strand (T on the coding strand, the reverse complement: USH2A is on the minus strand); the first of 2 consecutive A bases (chr1:215,889,029-215,889,030); deleting either gives the same sequence. VCF-style (leftmost placement, unchanged base first): chr1-215889028-GA-G. GRCh37 (hg19) VCF-style: chr1-216062370-GA-G.
Other names: c.7620delT (NM_206933.4); c.7620del (NM_206933.2); short protein forms L2541fs.
Identifiers: ClinVar variation 552662 (VCV000552662.14), dbSNP rs1553273412, ClinGen allele CA658822206.

ClinVar aggregate classification (germline): Pathogenic/Likely pathogenic. Review status: criteria provided, multiple submitters, no conflicts (2 of 4 stars). 7 submissions from 6 submitters: Pathogenic (2); Likely pathogenic (4). 1 of the submissions does not count toward it. Last evaluated 2026-06-30.

Conditions:
Usher syndrome. Also called: Usher Syndromes; Usher's syndrome. Identifiers: Orphanet 886, MedGen CN469326, MeSH D052245, MONDO:0019501. Disease mechanism: loss of function.
Usher syndrome type 2A. Also called: RETINAL DISEASE IN USHER SYNDROME TYPE IIA, MODIFIER OF; USHER SYNDROME, TYPE IIA. Identifiers: Orphanet 231178, Orphanet 886, MedGen C1848634, MONDO:0010169, OMIM 276901.
Retinitis pigmentosa 39 (RP39). Identifiers: Orphanet 791, MedGen C3151138, MONDO:0013436, OMIM 613809.

Submissions (7):

Women's Health and Genetics/Laboratory Corporation of America, LabCorp
Classification: Pathogenic for Usher syndrome. Last evaluated: 2026-06-30. Review status: criteria provided, single submitter. Criteria: LabCorp Variant Classification Summary - May 2015. Collection method: clinical testing. Allele origin: germline.
Comment: Variant summary: USH2A c.7620delT (p.Leu2541PhefsX4) results in a premature termination codon, predicted to cause a truncation of the encoded protein or absence of the protein due to nonsense mediated decay, which are commonly known mechanisms for disease. The variant was absent in 250590 control chromosomes. To our knowledge, no occurrence of c.7620delT in individuals affected with USH2A-related conditions and no experimental evidence demonstrating its impact on protein function have been reported. ClinVar contains an entry for this variant (Variation ID: 552662). Based on the evidence outlined above, the variant was classified as pathogenic.

Natera, Inc.
Classification: Likely pathogenic for Usher syndrome type 2A. Last evaluated: 2025-01-17. Review status: criteria provided, single submitter. Criteria: Natera Variant Classification Schema (03/2026). Collection method: clinical testing. Allele origin: germline.
Comment: The c.7620del variant in USH2A is a frameshift variant predicted to shift the reading frame beginning at codon 2541 and leads to a stop codon 4 codons downstream. This variant is expected to result in nonsense mediated decay, truncation, or a dysfunctional protein product. This variant is rare in the general population with a frequency below the threshold expected for the associated phenotype(s). Given the available evidence, this variant is classified as Likely Pathogenic.

Genome-Nilou Lab
Classification: Likely pathogenic for Retinitis pigmentosa 39. Last evaluated: 2023-11-04. Review status: criteria provided, single submitter. Criteria: ACMG Guidelines, 2015. Collection method: clinical testing. Allele origin: germline. Affected: no.

Genome-Nilou Lab
Classification: Likely pathogenic for Usher syndrome type 2A. Last evaluated: 2023-11-04. Review status: criteria provided, single submitter. Criteria: ACMG Guidelines, 2015. Collection method: clinical testing. Allele origin: germline. Affected: no.

Baylor Genetics
Classification: Likely pathogenic for Retinitis pigmentosa 39. Last evaluated: 2023-08-08. Review status: criteria provided, single submitter. Criteria: ACMG Guidelines, 2015. Collection method: clinical testing. Allele origin: unknown.

Labcorp Genetics (formerly Invitae), Labcorp
Classification: Pathogenic. Last evaluated: 2023-02-11. Review status: criteria provided, single submitter. Criteria: Invitae Variant Classification Sherloc (09022015). Collection method: clinical testing. Allele origin: germline.
Comment: For these reasons, this variant has been classified as Pathogenic. This sequence change creates a premature translational stop signal (p.Leu2541Phefs*4) in the USH2A gene. It is expected to result in an absent or disrupted protein product. Loss-of-function variants in USH2A are known to be pathogenic (PMID: 10729113, 10909849, 20507924, 25649381). This variant is not present in population databases (gnomAD no frequency). This variant has not been reported in the literature in individuals affected with USH2A-related conditions. ClinVar contains an entry for this variant (Variation ID: 552662).

Counsyl
Classification: Likely pathogenic for Usher syndrome type 2A; Retinitis pigmentosa 39. Last evaluated: 2017-06-26. Review status: no assertion criteria provided. Collection method: clinical testing. Allele origin: unknown. Not counted in ClinVar's aggregate classification.

Literature cited by the submitters: PubMed 10729113 (cited by Labcorp Genetics (formerly Invitae), Labcorp); PubMed 10909849 (cited by Labcorp Genetics (formerly Invitae), Labcorp); PubMed 20507924 (cited by Labcorp Genetics (formerly Invitae), Labcorp); PubMed 25649381 (cited by Labcorp Genetics (formerly Invitae), Labcorp).